The following is an entry in ClinVar:

ClinVar aggregate classification (germline): Uncertain significance. Review status: criteria provided, multiple submitters, no conflicts (2 of 4 stars). 2 submissions from 2 submitters: Uncertain significance (2). Last evaluated 2026-02-11.

Conditions:
Neurodevelopmental disorder with hypotonia, brain anomalies, distinctive facies, and absent language. Also called: ReNU SYNDROME; RNU4-2–Related Autosomal Dominant Neurodevelopmental Disorder; RNU4-2-Related Neurodevelopmental Disorder. Identifiers: Orphanet 686488, MedGen C5935628, MONDO:0971172, OMIM 620851.

gnomAD v4.1: 4 of 152,204 alleles (0.0026%); highest among the groups gnomAD compares: South Asian, 0.021%; no homozygotes.

Submissions (2):

Centre for Population Genomics, CPG
Classification: Uncertain significance for RNU4-2-Related Neurodevelopmental Disorder. Last evaluated: 2026-02-11. Review status: criteria provided, single submitter. Criteria: Ellingford et al. (Genome Med. 2022). Collection method: research. Allele origin: germline. Inheritance: Autosomal recessive inheritance. Affected: yes. Observed: 1 variant allele, 1 compound heterozygote.
Comment: PM2_supp

CeGaT Center for Human Genetics Tuebingen
Classification: Uncertain significance. Last evaluated: 2024-08-01. Review status: criteria provided, single submitter. Criteria: CeGaT Center For Human Genetics Tuebingen Variant Classification Criteria Version 2. Collection method: clinical testing. Allele origin: germline. Affected: yes. Observed: 1 variant allele.

NR_003137.3(RNU4-2):n.26G>A

Genes: RNU4-2 (RNA, U4 small nuclear 2; minus strand), SIRT4 (sirtuin 4; plus strand). Cytogenetic location: 12q24.23.
Variant type: single nucleotide variant.
Molecular consequence: non-coding transcript variant (on NR_003137.3).
Genome position: GRCh38 VCF-style: chr12-120291878-C-T. GRCh37 (hg19) VCF-style: chr12-120729681-C-T.
Identifiers: ClinVar variation 3342228 (VCV003342228.17).